The following is an entry in ClinVar:

NM_001267550.2(TTN):c.66742G>A (p.Asp22248Asn)

Genes: TTN (titin; minus strand), TTN-AS1 (TTN antisense RNA 1; plus strand). Cytogenetic location: 2q31.2.
Variant type: single nucleotide variant.
Coding change: c.66742G>A on transcript NM_001267550.2 (MANE Select); coding-DNA position 66742, G replaced by A.
Protein change: p.Asp22248Asn; replaces aspartic acid 22248 with asparagine.
Molecular consequence: missense variant.
Genome position (GRCh38, 1-based): chr2:178,581,526, C>T on the plus strand (G>A on the coding strand, the complement: TTN is on the minus strand). VCF-style: chr2-178581526-C-T. GRCh37 (hg19) VCF-style: chr2-179446253-C-T.
Other names: c.61819G>A, p.Asp20607Asn (NM_001256850.1); c.39547G>A, p.Asp13183Asn (NM_003319.4); c.59038G>A, p.Asp19680Asn (NM_133378.4); c.39922G>A, p.Asp13308Asn (NM_133432.3); c.40123G>A, p.Asp13375Asn (NM_133437.4); short protein forms D13183N, D13308N, D13375N, D19680N, D20607N, D22248N.
Identifiers: ClinVar variation 4685990 (VCV004685990.1).

ClinVar aggregate classification (germline): Uncertain significance (1 of 4 stars; one submission).

Submission:

ARUP Laboratories, Molecular Genetics and Genomics, ARUP Laboratories
Classification: Uncertain significance. Last evaluated: 2024-12-07. Review status: criteria provided, single submitter. Criteria: ARUP Molecular Germline Variant Investigation Process 2024. Collection method: clinical testing. Allele origin: germline.
Comment: The TTN c.66742G>A; p.Asp22248Asn variant (rs2047746118) is rare in the general population (<0.2% allele frequency in the Genome Aggregation Database) and has not been reported in the medical literature in association with dilated cardiomyopathy (DCM) or other TTN-related disease. The clinical relevance of rare missense variants in this gene, which are identified on average once per individual sequenced in affected populations (Herman 2012), is not well understood. Yet, evidence suggests that the vast majority of such missense variants do not contribute to the clinical outcome of DCM (Begay 2015). Thus, the clinical significance of the p.Asp22248Asn variant cannot be determined with certainty. References: Begay RL et al. Role of Titin Missense Variants in Dilated Cardiomyopathy. J Am Heart Assoc. 2015 Nov 13;4(11). PMID: 26567375. Herman DS et al. Truncations of titin causing dilated cardiomyopathy. N Engl J Med. 2012 Feb 16;366(7):619-28. PMID: 22335739. Linke WA and Hamdani N. Gigantic business: titin properties and function through thick and thin. Circ Res 2014; 114(6): 1052-1068. PMID: 24625729.